The following is an entry in ClinVar:

NM_001042492.3(NF1):c.223G>A (p.Ala75Thr)

Gene: NF1 (neurofibromin 1; plus strand). Cytogenetic location: 17q11.2.
Variant type: single nucleotide variant.
Coding change: c.223G>A on transcript NM_001042492.3 (MANE Select); coding-DNA position 223, G replaced by A.
Protein change: p.Ala75Thr; replaces alanine 75 with threonine.
Molecular consequence: missense variant.
Genome position (GRCh38, 1-based): chr17:31,159,028, G>A. VCF-style: chr17-31159028-G-A. GRCh37 (hg19) VCF-style: chr17-29486046-G-A.
Other names: c.223G>A, p.Ala75Thr (NM_000267.4, NM_001128147.3); short protein forms A75T.
Identifiers: ClinVar variation 645770 (VCV000645770.8), dbSNP rs1597629733, ClinGen allele CA398989560.
Genomic context (GRCh38, chr17:31,159,028, plus strand): 5'-AAGTGAAACTAACTTTTATGTTCTGAATATCTTTTCTGTTAGAGAATATTTGGAGAAGCT[G>A]CTGAAAAAAATTTATATCTCTCTCAGTTGATTATATTGGATACACTGGAAAAATGTCTTG-3'
Protein context (NP_001035957.1, residues 65-85): VNNMRIFGEA[Ala75Thr]EKNLYLSQLI

ClinVar aggregate classification (germline): Uncertain significance. Review status: criteria provided, multiple submitters, no conflicts (2 of 4 stars). 2 submissions from 2 submitters: Uncertain significance (2). Last evaluated 2018-10-21.

Conditions:
Hereditary cancer-predisposing syndrome. Also called: Neoplastic Syndromes, Hereditary; Hereditary Cancer Syndrome; Hereditary neoplastic syndrome; Tumor predisposition. Identifiers: Orphanet 140162, MedGen C0027672, MeSH D009386, MONDO:0015356.
Cardiovascular phenotype. Identifiers: MedGen CN230736.
Neurofibromatosis, type 1 (NF1). Also called: NEUROFIBROMATOSIS, TYPE I, SOMATIC; VON RECKLINGHAUSEN DISEASE; Neurofibromatosis, type I; Peripheral type neurofibromatosis. Identifiers: Orphanet 636, MedGen C0027831, MONDO:0018975, OMIM 162200. Disease mechanism: loss of function.

Submissions (2):

Ambry Genetics
Classification: Uncertain significance for Cardiovascular phenotype; Hereditary cancer-predisposing syndrome. Last evaluated: 2018-10-21. Review status: criteria provided, single submitter. Criteria: Ambry Variant Classification Scheme 2023. Collection method: clinical testing. Allele origin: germline.
Comment: The p.A75T variant (also known as c.223G>A), located in coding exon 3 of the NF1 gene, results from a G to A substitution at nucleotide position 223. The alanine at codon 75 is replaced by threonine, an amino acid with similar properties. This amino acid position is well conserved in available vertebrate species. In addition, this alteration is predicted to be tolerated by in silico analysis. Since supporting evidence is limited at this time, the clinical significance of this alteration remains unclear.

Labcorp Genetics (formerly Invitae), Labcorp
Classification: Uncertain significance for Neurofibromatosis, type 1. Last evaluated: 2018-08-23. Review status: criteria provided, single submitter. Criteria: Invitae Variant Classification Sherloc (09022015). Collection method: clinical testing. Allele origin: germline.
Comment: This sequence change replaces alanine with threonine at codon 75 of the NF1 protein (p.Ala75Thr). The alanine residue is moderately conserved and there is a small physicochemical difference between alanine and threonine. This variant is not present in population databases (ExAC no frequency). This variant has not been reported in the literature in individuals with NF1-related disease. Algorithms developed to predict the effect of missense changes on protein structure and function (SIFT, PolyPhen-2, Align-GVGD) all suggest that this variant is likely to be tolerated, but these predictions have not been confirmed by published functional studies and their clinical significance is uncertain. In summary, the available evidence is currently insufficient to determine the role of this variant in disease. Therefore, it has been classified as a Variant of Uncertain Significance.